The following is an entry in ClinVar:

ClinVar aggregate classification (germline): Uncertain significance (1 of 4 stars; one submission).

Conditions:
Neuropathy, hereditary sensory, type 2C. Also called: Hereditary sensory and autonomic neuropathy type IIC; KIF1A-Related HSAN2 (HSAN2C). Identifiers: Orphanet 970, MedGen C3280168, MONDO:0013634, OMIM 614213.
Hereditary spastic paraplegia 30. Identifiers: Orphanet 101010, MedGen C5235139, MONDO:0012476.
Intellectual disability, autosomal dominant 9 (NESCAVS). Also called: NESCAV SYNDROME; KIF1A-Related Neurodevelopmental Disorder. Identifiers: Orphanet 662367, MedGen C5393830, MONDO:0013656, OMIM 614255.

Submission:

Labcorp Genetics (formerly Invitae), Labcorp
Classification: Uncertain significance for Hereditary spastic paraplegia 30; Neuropathy, hereditary sensory, type 2C; Intellectual disability, autosomal dominant 9. Last evaluated: 2023-07-07. Review status: criteria provided, single submitter. Criteria: Invitae Variant Classification Sherloc (09022015). Collection method: clinical testing. Allele origin: germline.
Comment: This sequence change replaces histidine, which is basic and polar, with glutamine, which is neutral and polar, at codon 1079 of the KIF1A protein (p.His1079Gln). This variant is not present in population databases (gnomAD no frequency). This variant has not been reported in the literature in individuals affected with KIF1A-related conditions. Advanced modeling of protein sequence and biophysical properties (such as structural, functional, and spatial information, amino acid conservation, physicochemical variation, residue mobility, and thermodynamic stability) performed at Invitae indicates that this missense variant is not expected to disrupt KIF1A protein function. In summary, the available evidence is currently insufficient to determine the role of this variant in disease. Therefore, it has been classified as a Variant of Uncertain Significance.

NM_001244008.2(KIF1A):c.3540C>A (p.His1180Gln)

Gene: KIF1A (kinesin family member 1A; minus strand). Cytogenetic location: 2q37.3.
Variant type: single nucleotide variant.
Coding change: c.3540C>A on transcript NM_001244008.2 (MANE Select); coding-DNA position 3540, C replaced by A.
Protein change: p.His1180Gln; replaces histidine 1180 with glutamine.
Molecular consequence: missense variant.
Genome position (GRCh38, 1-based): chr2:240,743,986, G>T on the plus strand (C>A on the coding strand, the complement: KIF1A is on the minus strand). VCF-style: chr2-240743986-G-T. GRCh37 (hg19) VCF-style: chr2-241683403-G-T.
Other names: c.3264C>A, p.His1088Gln (NM_001320705.2, NM_001330289.2, NM_001379638.1); c.3339C>A, p.His1113Gln (NM_001330290.2, NM_001379634.1, NM_001379635.1 and 1 more transcripts); c.3615C>A, p.His1205Gln (NM_001379631.1); c.3489C>A, p.His1163Gln (NM_001379632.1); c.3513C>A, p.His1171Gln (NM_001379633.1, NM_001379642.1, NM_001379645.1); c.3237C>A, p.His1079Gln (NM_001379636.1, NM_001379639.1, NM_001379641.1 and 6 more transcripts); c.3312C>A, p.His1104Gln (NM_001379637.1, NM_001379648.1); c.3234C>A, p.His1078Gln (NM_001379640.1); short protein forms H1163Q, H1171Q, H1079Q, H1088Q, H1180Q, H1205Q, H1078Q, H1104Q.
Identifiers: ClinVar variation 2931712 (VCV002931712.3), dbSNP rs2537240456, ClinGen allele CA351316759.